The following is an entry in ClinVar:

NM_001267550.2(TTN):c.65144G>A (p.Arg21715Gln)

Genes: TTN-AS1 (TTN antisense RNA 1; plus strand), TTN (titin; minus strand). Cytogenetic location: 2q31.2.
Variant type: single nucleotide variant.
Coding change: c.65144G>A on transcript NM_001267550.2 (MANE Select); coding-DNA position 65144, G replaced by A.
Protein change: p.Arg21715Gln; replaces arginine 21715 with glutamine.
Molecular consequence: missense variant.
Genome position (GRCh38, 1-based): chr2:178,584,407, C>T on the plus strand (G>A on the coding strand, the complement: TTN is on the minus strand). VCF-style: chr2-178584407-C-T. GRCh37 (hg19) VCF-style: chr2-179449134-C-T.
Other names: c.60221G>A, p.Arg20074Gln (NM_001256850.1); c.37949G>A, p.Arg12650Gln (NM_003319.4); c.57440G>A, p.Arg19147Gln (NM_133378.4); c.38324G>A, p.Arg12775Gln (NM_133432.3); c.38525G>A, p.Arg12842Gln (NM_133437.4); short protein forms R12842Q, R12775Q, R20074Q, R12650Q, R19147Q, R21715Q.
Identifiers: ClinVar variation 808965 (VCV000808965.21), dbSNP rs368450785, ClinGen allele CA1991772.

ClinVar aggregate classification (germline): Uncertain significance. Review status: criteria provided, multiple submitters, no conflicts (2 of 4 stars). 5 submissions from 5 submitters: Uncertain significance (4). 1 of the submissions does not count toward it. Last evaluated 2026-04-09.

Conditions:
TTN-related disorder. Also called: TTN-related condition; TTN-related disease; TTN-related disorders.
Cardiovascular phenotype. Identifiers: MedGen CN230736.
Hypertrophic cardiomyopathy. Also called: HYPERTROPHIC MYOCARDIOPATHY. Identifiers: Orphanet 217569, MedGen C0007194, MeSH D002312, MONDO:0005045, HP:0001639.

Allele frequency attached by ClinVar (database versions not stated): TOPMed 0.00002.
gnomAD v4.1: 65 of 1,613,110 alleles (0.004%); highest among the groups gnomAD compares: South Asian, 0.019%; no homozygotes.

Submissions (5):

Greenwood Genetic Center Diagnostic Laboratories, Greenwood Genetic Center
Classification: Uncertain significance. Last evaluated: 2026-04-09. Review status: criteria provided, single submitter. Criteria: ACMG Guidelines, 2015. Collection method: clinical testing. Allele origin: germline.
Comment: PM2, BP4, PP2

Revvity Omics, Revvity
Classification: Uncertain significance. Last evaluated: 2021-10-17. Review status: criteria provided, single submitter. Criteria: ACMG Guidelines, 2015. Collection method: clinical testing. Allele origin: germline.

Ambry Genetics
Classification: Uncertain significance for Cardiovascular phenotype. Last evaluated: 2019-05-29. Review status: criteria provided, single submitter. Criteria: Ambry Variant Classification Scheme 2023. Collection method: clinical testing. Allele origin: germline.
Comment: The p.R12650Q variant (also known as c.37949G>A), located in coding exon 138 of the TTN gene, results from a G to A substitution at nucleotide position 37949. The arginine at codon 12650 is replaced by glutamine, an amino acid with highly similar properties. This amino acid position is well conserved in available vertebrate species. In addition, this alteration is predicted to be tolerated by in silico analysis. Since supporting evidence is limited at this time, the clinical significance of this alteration remains unclear.

Genetics and Genomics Program, Sidra Medicine
Classification: Uncertain significance for Hypertrophic cardiomyopathy. Review status: criteria provided, single submitter. Criteria: ACMG Guidelines, 2015. Collection method: research. Allele origin: unknown. Affected: yes. Observed: 1 variant allele.

PreventionGenetics, part of Exact Sciences
Classification: Uncertain significance for TTN-related condition. Last evaluated: 2024-01-26. Review status: no assertion criteria provided. Collection method: clinical testing. Allele origin: germline. Not counted in ClinVar's aggregate classification.
Comment: The TTN c.65144G>A variant is predicted to result in the amino acid substitution p.Arg21715Gln. To our knowledge, this variant has not been reported in the literature. This variant is reported in 0.020% of alleles in individuals of South Asian descent in gnomAD. At this time, the clinical significance of this variant is uncertain due to the absence of conclusive functional and genetic evidence.